The following is an entry in ClinVar:

NM_022455.5(NSD1):c.2944G>C (p.Gly982Arg)

Gene: NSD1 (nuclear receptor binding SET domain protein 1; plus strand). Cytogenetic location: 5q35.3.
Variant type: single nucleotide variant.
Coding change: c.2944G>C on transcript NM_022455.5 (MANE Select); coding-DNA position 2944, G replaced by C.
Protein change: p.Gly982Arg; replaces glycine 982 with arginine.
Molecular consequence: missense variant.
Genome position (GRCh38, 1-based): chr5:177,211,343, G>C. VCF-style: chr5-177211343-G-C. GRCh37 (hg19) VCF-style: chr5-176638344-G-C.
Other names: c.2071G>C, p.Gly691Arg (NM_001365684.2, NM_001409306.1, NM_001409307.1 and 3 more transcripts); c.2944G>C, p.Gly982Arg (NM_001409301.1, NM_001409302.1, NM_001409303.1); c.2524G>C, p.Gly842Arg (NM_001409304.1); c.2191G>C, p.Gly731Arg (NM_001409305.1); short protein forms G982R, G713R, G731R, G691R, G842R.
Identifiers: ClinVar variation 159293 (VCV000159293.11), dbSNP rs587784091, ClinGen allele CA172792.

ClinVar aggregate classification (germline): Likely benign. Review status: criteria provided, multiple submitters, no conflicts (2 of 4 stars). 4 submissions from 4 submitters: Likely benign (4). Last evaluated 2026-02-13.

Conditions:
NSD1-related disorder. Also called: NSD1-related condition.
Inborn genetic diseases. Identifiers: MedGen C0950123, MeSH D030342.

Allele frequency attached by ClinVar (database versions not stated): gnomAD 0.00001; gnomAD exomes 0.00002; TOPMed 0.00002; ExAC 0.00003.
gnomAD v4.1: 158 of 1,614,016 alleles (0.0098%); highest among the groups gnomAD compares: Non-Finnish European, 0.013%; no homozygotes.

Submissions (4):

PreventionGenetics, part of Exact Sciences
Classification: Likely benign for NSD1-related condition. Last evaluated: 2026-02-13. Review status: criteria provided, single submitter. Criteria: ACMG Guidelines, 2015. Collection method: clinical testing. Allele origin: germline.
Comment: This variant is classified as likely benign based on ACMG/AMP sequence variant interpretation guidelines (Richards et al. 2015 PMID: 25741868, with internal and published modifications).

Labcorp Genetics (formerly Invitae), Labcorp
Classification: Likely benign. Last evaluated: 2025-07-28. Review status: criteria provided, single submitter. Criteria: Invitae Variant Classification Sherloc (09022015). Collection method: clinical testing. Allele origin: germline.

Ambry Genetics
Classification: Likely benign for Inborn genetic diseases. Last evaluated: 2022-08-02. Review status: criteria provided, single submitter. Criteria: Ambry Variant Classification Scheme 2023. Collection method: clinical testing. Allele origin: germline.

Genetic Services Laboratory, University of Chicago
Classification: Likely benign. Last evaluated: 2013-02-08. Review status: criteria provided, single submitter. Criteria: ACMG Guidelines, 2007. Collection method: clinical testing. Allele origin: germline. Inheritance: Autosomal dominant inheritance.